The following is an entry in ClinVar:

ClinVar aggregate classification (germline): Uncertain significance. Review status: criteria provided, multiple submitters, no conflicts (2 of 4 stars). 3 submissions from 2 submitters: Uncertain significance (3). Last evaluated 2023-11-29.

Conditions:
Cystic fibrosis (CF). Also called: MUCOVISCIDOSIS. Identifiers: Orphanet 586, MedGen C0010674, MONDO:0009061, OMIM 219700. Disease mechanism: loss of function.
Congenital bilateral aplasia of vas deferens from CFTR mutation (CBAVD). Identifiers: Orphanet 48, MedGen C0403814, MONDO:0010178, OMIM 277180. Disease mechanism: loss of function.

Submissions (3):

Ambry Genetics
Classification: Uncertain significance for Cystic fibrosis. Last evaluated: 2023-11-29. Review status: criteria provided, single submitter. Criteria: Ambry Variant Classification Scheme 2023. Collection method: clinical testing. Allele origin: germline.
Comment: The p.G228C variant (also known as c.682G>T), located in coding exon 6 of the CFTR gene, results from a G to T substitution at nucleotide position 682. The glycine at codon 228 is replaced by cysteine, an amino acid with highly dissimilar properties. This amino acid position is conserved. In addition, the in silico prediction for this alteration is inconclusive. Since supporting evidence is limited at this time, the clinical significance of this alteration remains unclear.

Genome-Nilou Lab
Classification: Uncertain significance for Cystic fibrosis. Last evaluated: 2021-07-22. Review status: criteria provided, single submitter. Criteria: ACMG Guidelines, 2015. Collection method: clinical testing. Allele origin: germline. Affected: no.

Genome-Nilou Lab
Classification: Uncertain significance for Congenital bilateral aplasia of vas deferens from CFTR mutation. Last evaluated: 2021-07-22. Review status: criteria provided, single submitter. Criteria: ACMG Guidelines, 2015. Collection method: clinical testing. Allele origin: germline. Affected: no.

NM_000492.4(CFTR):c.682G>T (p.Gly228Cys)

Gene: CFTR (CF transmembrane conductance regulator; plus strand). Cytogenetic location: 7q31.2.
Variant type: single nucleotide variant.
Coding change: c.682G>T on transcript NM_000492.4 (MANE Select); coding-DNA position 682, G replaced by T.
Protein change: p.Gly228Cys; replaces glycine 228 with cysteine.
Molecular consequence: missense variant.
Genome position (GRCh38, 1-based): chr7:117,535,350, G>T. VCF-style: chr7-117535350-G-T. GRCh37 (hg19) VCF-style: chr7-117175404-G-T.
Other names: short protein forms G228C.
Identifiers: ClinVar variation 1210377 (VCV001210377.4), dbSNP rs1435574279, ClinGen allele CA368977040.